The following is an entry in ClinVar:

ClinVar aggregate classification (germline): Likely pathogenic (1 of 4 stars; one submission).

Submission:

Labcorp Genetics (formerly Invitae), Labcorp
Classification: Likely pathogenic. Last evaluated: 2020-04-01. Review status: criteria provided, single submitter. Criteria: Invitae Variant Classification Sherloc (09022015). Collection method: clinical testing. Allele origin: germline.
Comment: Algorithms developed to predict the effect of missense changes on protein structure and function are either unavailable or do not agree on the potential impact of this missense change (SIFT: "Deleterious"; PolyPhen-2: "Probably Damaging"; Align-GVGD: "Class C0"). In summary, the currently available evidence indicates that the variant is pathogenic, but additional data are needed to prove that conclusively. Therefore, this variant has been classified as Likely Pathogenic. This variant has been observed in individual(s) with clinical features of cardiospondylocarpofacial syndrome (Invitae). In at least one individual the variant was observed to be de novo. ClinVar contains an entry for this variant (Variation ID: 639687). This sequence change replaces glutamic acid with alanine at codon 77 of the MAP3K7 protein (p.Glu77Ala). The glutamic acid residue is highly conserved and there is a moderate physicochemical difference between glutamic acid and alanine. This variant is not present in population databases (ExAC no frequency).

NM_145331.3(MAP3K7):c.230A>C (p.Glu77Ala)

Gene: MAP3K7 (mitogen-activated protein kinase kinase kinase 7; minus strand). Cytogenetic location: 6q15.
Variant type: single nucleotide variant.
Coding change: c.230A>C on transcript NM_145331.3 (MANE Select); coding-DNA position 230, A replaced by C.
Protein change: p.Glu77Ala; replaces glutamic acid 77 with alanine.
Molecular consequence: missense variant.
Genome position (GRCh38, 1-based): chr6:90,571,698, T>G on the plus strand (A>C on the coding strand, the complement: MAP3K7 is on the minus strand). VCF-style: chr6-90571698-T-G. GRCh37 (hg19) VCF-style: chr6-91281417-T-G.
Other names: c.230A>C, p.Glu77Ala (NM_003188.4, NM_145332.3, NM_145333.3); short protein forms E77A.
Identifiers: ClinVar variation 639687 (VCV000639687.8), dbSNP rs1582233598, ClinGen allele CA365017878.